The following is an entry in ClinVar:

ClinVar aggregate classification (germline): Uncertain significance (1 of 4 stars; one submission).

Conditions:
Hereditary cancer-predisposing syndrome. Also called: Neoplastic Syndromes, Hereditary; Tumor predisposition; Hereditary Cancer Syndrome; Hereditary neoplastic syndrome. Identifiers: Orphanet 140162, MedGen C0027672, MeSH D009386, MONDO:0015356.

Submission:

Ambry Genetics
Classification: Uncertain significance for Hereditary cancer-predisposing syndrome. Last evaluated: 2025-06-21. Review status: criteria provided, single submitter. Criteria: Ambry Variant Classification Scheme 2023. Collection method: clinical testing. Allele origin: germline.
Comment: The p.T1485S variant (also known as c.4453A>T), located in coding exon 33 of the TSC2 gene, results from an A to T substitution at nucleotide position 4453. The threonine at codon 1485 is replaced by serine, an amino acid with similar properties. This amino acid position is conserved. In addition, the in silico prediction for this alteration is inconclusive. Based on the available evidence, the clinical significance of this variant remains unclear.

NM_000548.5(TSC2):c.4453A>T (p.Thr1485Ser)

Gene: TSC2 (TSC complex subunit 2; plus strand). Cytogenetic location: 16p13.3.
Variant type: single nucleotide variant.
Coding change: c.4453A>T on transcript NM_000548.5 (MANE Select); coding-DNA position 4453, A replaced by T.
Protein change: p.Thr1485Ser; replaces threonine 1485 with serine.
Molecular consequence: missense variant. On other transcripts: non-coding transcript variant (5).
Genome position (GRCh38, 1-based): chr16:2,084,675, A>T. VCF-style: chr16-2084675-A-T. GRCh37 (hg19) VCF-style: chr16-2134676-A-T.
Other names: c.4252A>T, p.Thr1418Ser (NM_001077183.3); c.4384A>T, p.Thr1462Ser (NM_001114382.3); c.4144A>T, p.Thr1382Ser (NM_001318827.2); c.4108A>T, p.Thr1370Ser (NM_001318829.2); c.3721A>T, p.Thr1241Ser (NM_001318831.2); c.4285A>T, p.Thr1429Ser (NM_001318832.2); c.4255A>T, p.Thr1419Ser (NM_001363528.2); c.4321A>T, p.Thr1441Ser (NM_001370404.1); and 26 more; short protein forms T1014S, T1218S, T1261S, T1265S, T1285S, T1369S, T1413S, T1441S.
Identifiers: ClinVar variation 4192137 (VCV004192137.1).